The following is an entry in ClinVar:

ClinVar aggregate classification (germline): Uncertain significance (1 of 4 stars; one submission).

Conditions:
Juvenile polyposis syndrome (JPS). Identifiers: Orphanet 2929, MedGen C0345893, MONDO:0017380, OMIM 174900.

Submission:

Labcorp Genetics (formerly Invitae), Labcorp
Classification: Uncertain significance for Juvenile polyposis syndrome. Last evaluated: 2017-10-31. Review status: criteria provided, single submitter. Criteria: Invitae Variant Classification Sherloc (09022015). Collection method: clinical testing. Allele origin: germline.
Comment: This sequence change falls in intron 12 of the BMPR1A gene. It does not directly change the encoded amino acid sequence of the BMPR1A protein, but it affects a nucleotide within the consensus splice site of the intron. This variant is not present in population databases (ExAC no frequency). This variant has not been reported in the literature in individuals with BMPR1A-related disease. Nucleotide substitutions within the consensus splice site are a relatively common cause of aberrant splicing (PMID: 17576681, 9536098). Algorithms developed to predict the effect of sequence changes on RNA splicing suggest that this variant may disrupt the consensus splice site, but this prediction has not been confirmed by published transcriptional studies. In summary, the available evidence is currently insufficient to determine the role of this variant in disease. Therefore, it has been classified as a Variant of Uncertain Significance.

Literature cited by the submitters: PubMed 17576681; PubMed 9536098.

NM_004329.3(BMPR1A):c.1474-3C>A

Gene: BMPR1A (bone morphogenetic protein receptor type 1A; plus strand). Cytogenetic location: 10q23.2.
Variant type: single nucleotide variant.
Coding change: c.1474-3C>A on transcript NM_004329.3 (MANE Select); 3 bases into the intron before coding-DNA position 1474, C replaced by A.
Molecular consequence: intron variant.
Genome position (GRCh38, 1-based): chr10:86,923,591, C>A. VCF-style: chr10-86923591-C-A. GRCh37 (hg19) VCF-style: chr10-88683348-C-A.
Identifiers: ClinVar variation 529922 (VCV000529922.10), dbSNP rs1554891636, ClinGen allele CA658797474.
Genomic context (GRCh38, chr10:86,923,591, plus strand): 5'-GAAGTGATTCGTAAATGCCACCAAATATATTCTCTGCTCACTGAACATCTCTTTACTTTT[C>A]AGTGTCTACGAGCAGTTTTGAAGCTAATGTCAGAATGCTGGGCCCACAATCCAGCCTCCA-3'